The following is an entry in ClinVar:

NM_001384900.1(SEMA3D):c.1918G>T (p.Asp640Tyr)

Genes: SEMA3D (semaphorin 3D; minus strand), LOC126860094 (BRD4-independent group 4 enhancer GRCh37_chr7:84628763-84629962; plus strand). Cytogenetic location: 7q21.11.
Variant type: single nucleotide variant.
Coding change: c.1918G>T on transcript NM_001384900.1 (MANE Select); coding-DNA position 1918, G replaced by T.
Protein change: p.Asp640Tyr; replaces aspartic acid 640 with tyrosine.
Molecular consequence: missense variant.
Genome position (GRCh38, 1-based): chr7:84,999,856, C>A on the plus strand (G>T on the coding strand, the complement: SEMA3D is on the minus strand). VCF-style: chr7-84999856-C-A. GRCh37 (hg19) VCF-style: chr7-84629172-C-A.
Other names: c.1918G>T, p.Asp640Tyr (NM_001384901.1, NM_001384902.1, NM_001384903.1 and 1 more transcripts); short protein forms D640Y.
Identifiers: ClinVar variation 4981885 (VCV004981885.1).

ClinVar aggregate classification (germline): Uncertain significance (1 of 4 stars; one submission).

Conditions:
SEMA3D-related disorder. Also called: SEMA3D-related condition.

gnomAD v4.1: 24 of 1,611,602 alleles (0.0015%); highest among the groups gnomAD compares: Non-Finnish European, 0.002%; no homozygotes.

Submission:

PreventionGenetics, part of Exact Sciences
Classification: Uncertain significance for SEMA3D-related condition. Last evaluated: 2026-09-01. Review status: criteria provided, single submitter. Criteria: ACMG Guidelines, 2015. Collection method: clinical testing. Allele origin: germline.
Comment: The SEMA3D c.1918G>T variant is predicted to result in the amino acid substitution p.Asp640Tyr. This variant was reported in an individual with severe obesity (van der Klaauw et al. 2019. PubMed ID: 30661757). This variant is reported in 0.0018% of alleles in individuals of European (Non-Finnish) descent in gnomAD. At this time, the clinical significance of this variant is uncertain due to the absence of conclusive functional and genetic evidence.